The following is an entry in ClinVar:

NM_005633.4(SOS1):c.371A>G (p.His124Arg)

Gene: SOS1 (SOS Ras/Rac guanine nucleotide exchange factor 1; minus strand). Cytogenetic location: 2p22.1.
Variant type: single nucleotide variant.
Coding change: c.371A>G on transcript NM_005633.4 (MANE Select); coding-DNA position 371, A replaced by G.
Protein change: p.His124Arg; replaces histidine 124 with arginine.
Molecular consequence: missense variant.
Genome position (GRCh38, 1-based): chr2:39,056,841, T>C on the plus strand (A>G on the coding strand, the complement: SOS1 is on the minus strand). VCF-style: chr2-39056841-T-C. GRCh37 (hg19) VCF-style: chr2-39283982-T-C.
Other names: c.350A>G, p.His117Arg (NM_001382394.1); c.371A>G, p.His124Arg (NM_001382395.1); short protein forms H117R, H124R.
Identifiers: ClinVar variation 1436031 (VCV001436031.8), dbSNP rs2124607473, ClinGen allele CA346373701.
Genomic context (GRCh38, chr2:39,056,841, plus strand): 5'-AGCTTTAAAATGTCTGCAGAAATGTATTCTAAGACTGCTACTATGTAAACAGAAACCTGG[T>C]GGTCAATTTTATAACCTAGGACCTCCTGCAAAATTAAAAGAAAAGCATGTTTAAACATCA-3'
Protein context (NP_005624.2, residues 114-134): LKEVLGYKID[His124Arg]QVSVYIVAVL

ClinVar aggregate classification (germline): Uncertain significance (1 of 4 stars; one submission).

Conditions:
RASopathy. Also called: rasopathies; Noonan spectrum disorder. Identifiers: Orphanet 536391, MedGen C5555857, MONDO:0021060.

Submission:

Labcorp Genetics (formerly Invitae), Labcorp
Classification: Uncertain significance for RASopathy. Last evaluated: 2025-07-23. Review status: criteria provided, single submitter. Criteria: Invitae Variant Classification Sherloc (09022015). Collection method: clinical testing. Allele origin: germline.
Comment: This sequence change replaces histidine, which is basic and polar, with arginine, which is basic and polar, at codon 124 of the SOS1 protein (p.His124Arg). This variant is not present in population databases (gnomAD no frequency). This variant has not been reported in the literature in individuals affected with SOS1-related conditions. ClinVar contains an entry for this variant (Variation ID: 1436031). Invitae Evidence Modeling of protein sequence and biophysical properties (such as structural, functional, and spatial information, amino acid conservation, physicochemical variation, residue mobility, and thermodynamic stability) has been performed for this missense variant. However, the output from this modeling did not meet the statistical confidence thresholds required to predict the impact of this variant on SOS1 protein function. In summary, the available evidence is currently insufficient to determine the role of this variant in disease. Therefore, it has been classified as a Variant of Uncertain Significance.